The following is an entry in ClinVar:

NM_000372.5(TYR):c.373G>A (p.Asp125Asn)

Gene: TYR (tyrosinase; plus strand). Cytogenetic location: 11q14.3.
Variant type: single nucleotide variant.
Coding change: c.373G>A on transcript NM_000372.5 (MANE Select); coding-DNA position 373, G replaced by A.
Protein change: p.Asp125Asn; replaces aspartic acid 125 with asparagine.
Molecular consequence: missense variant.
Genome position (GRCh38, 1-based): chr11:89,178,326, G>A. VCF-style: chr11-89178326-G-A. GRCh37 (hg19) VCF-style: chr11-88911494-G-A.
Other names: short protein forms D125N.
Identifiers: ClinVar variation 1020257 (VCV001020257.6), dbSNP rs13312741, ClinGen allele CA382034256.
Genomic context (GRCh38, chr11:89,178,326, plus strand): 5'-TTTGGCTTTTGGGGACCAAACTGCACAGAGAGACGACTCTTGGTGAGAAGAAACATCTTC[G>A]ATTTGAGTGCCCCAGAGAAGGACAAATTTTTTGCCTACCTCACTTTAGCAAAGCATACCA-3'
Protein context (NP_000363.1, residues 115-135): RRLLVRRNIF[Asp125Asn]LSAPEKDKFF

ClinVar aggregate classification (germline): Uncertain significance (1 of 4 stars; one submission).

gnomAD v4.1: 9 of 1,614,048 alleles (0.00056%); highest among the groups gnomAD compares: Middle Eastern, 0.016%; no homozygotes.

Submission:

Labcorp Genetics (formerly Invitae), Labcorp
Classification: Uncertain significance. Last evaluated: 2021-09-01. Review status: criteria provided, single submitter. Criteria: Invitae Variant Classification Sherloc (09022015). Collection method: clinical testing. Allele origin: germline.
Comment: This sequence change replaces aspartic acid with asparagine at codon 125 of the TYR protein (p.Asp125Asn). The aspartic acid residue is moderately conserved and there is a small physicochemical difference between aspartic acid and asparagine. This variant is not present in population databases (ExAC no frequency). This variant has not been reported in the literature in individuals affected with TYR-related conditions. Advanced modeling of protein sequence and biophysical properties (such as structural, functional, and spatial information, amino acid conservation, physicochemical variation, residue mobility, and thermodynamic stability) performed at Invitae indicates that this missense variant is not expected to disrupt TYR protein function. In summary, the available evidence is currently insufficient to determine the role of this variant in disease. Therefore, it has been classified as a Variant of Uncertain Significance.